The following is an entry in ClinVar:

ClinVar aggregate classification (germline): Likely pathogenic (1 of 4 stars; one submission).

Conditions:
Developmental and epileptic encephalopathy 94 (DEE94). Also called: CHD2-Related Neurodevelopmental Disorders; Epileptic encephalopathy, childhood-onset. Identifiers: Orphanet 1942, Orphanet 2382, MedGen C3809278, MONDO:0014150, OMIM 615369.

Submission:

Johns Hopkins Genomics, Johns Hopkins University
Classification: Likely pathogenic for Developmental and epileptic encephalopathy 94. Last evaluated: 2024-04-17. Review status: criteria provided, single submitter. Criteria: ACMG Guidelines, 2015. Collection method: clinical testing. Allele origin: germline.
Comment: This CHD2 variant is absent from a large population dataset and has not been reported in ClinVar nor the literature, to our knowledge. Two bioinformatic tools queried predict that this substitution (p.Arg809Gly) would be damaging, and the arginine residue at this position is strongly conserved across the vertebrate species assessed. This amino acid substitution occurs in the helicase C-terminal domain where other CHD2 pathogenic variants have been identified. We consider c.2425C>G to be likely pathogenic for autosomal dominant CHD2-related neurodevelopmental disorder.

Literature cited by the submitters: PubMed 23708187; PubMed 26677509; PubMed 34713950; PubMed 35774528.

NM_001271.4(CHD2):c.2425C>G (p.Arg809Gly)

Gene: CHD2 (chromodomain helicase DNA binding protein 2; plus strand). Cytogenetic location: 15q26.1.
Variant type: single nucleotide variant.
Coding change: c.2425C>G on transcript NM_001271.4 (MANE Select); coding-DNA position 2425, C replaced by G.
Protein change: p.Arg809Gly; replaces arginine 809 with glycine.
Molecular consequence: missense variant.
Genome position (GRCh38, 1-based): chr15:92,972,337, C>G. VCF-style: chr15-92972337-C-G. GRCh37 (hg19) VCF-style: chr15-93515567-C-G.
Other names: short protein forms R809G.
Identifiers: ClinVar variation 4280007 (VCV004280007.1).